The following is an entry in ClinVar:

ClinVar aggregate classification (germline): Likely benign. Review status: criteria provided, single submitter (1 of 4 stars). 2 submissions from 2 submitters: Likely benign (1). 1 of the submissions does not count toward it. Last evaluated 2026-06-01.

Conditions:
FOCAD-related disorder. Also called: FOCAD-related condition.

Submissions (2):

CeGaT Center for Human Genetics Tuebingen
Classification: Likely benign. Last evaluated: 2026-06-01. Review status: criteria provided, single submitter. Criteria: CeGaT Center For Human Genetics Tuebingen Variant Classification Criteria Version 2. Collection method: clinical testing. Allele origin: germline. Affected: yes. Observed: 2 variant alleles.
Comment: FOCAD: BP4, BS2

PreventionGenetics, part of Exact Sciences
Classification: Likely benign for FOCAD-related condition. Last evaluated: 2019-09-10. Review status: no assertion criteria provided. Collection method: clinical testing. Allele origin: germline. Not counted in ClinVar's aggregate classification.
Comment: This variant is classified as likely benign based on ACMG/AMP sequence variant interpretation guidelines (Richards et al. 2015 PMID: 25741868, with internal and published modifications).

NM_001375567.1(FOCAD):c.4729-17_4729-5dup

Gene: FOCAD (focadhesin; plus strand). Cytogenetic location: 9p21.3.
Variant type: Duplication.
Coding change: c.4729-17_4729-5dup on transcript NM_001375567.1 (MANE Select); 17 bases into the intron before coding-DNA position 4729 through 5 bases into the intron before coding-DNA position 4729, 13 bases duplicated (TTTTTTTTTTTTT).
Molecular consequence: intron variant.
Genome position (GRCh38, 1-based): chr9:20,986,271-20,986,283, TTTTTTTTTTTTT duplicated; duplicating any 13 consecutive bases within chr9:20,986,267-20,986,283 gives the same sequence; the c. name uses the placement nearest the transcript's 3' end. VCF-style (leftmost placement, unchanged base first): chr9-20986266-A-ATTTTTTTTTTTTT. GRCh37 (hg19) VCF-style: chr9-20986265-A-ATTTTTTTTTTTTT.
Other names: c.4729-17_4729-5dup (NM_017794.5); c.4624-17_4624-5dup (NM_001375568.1, NM_001375570.1).
Identifiers: ClinVar variation 3057113 (VCV003057113.8), dbSNP rs545976303, ClinGen allele CA862073108.